The following is an entry in ClinVar:

ClinVar aggregate classification (germline): Uncertain significance. Review status: criteria provided, multiple submitters, no conflicts (2 of 4 stars). 2 submissions from 2 submitters: Uncertain significance (2). Last evaluated 2024-01-10.

Conditions:
ACTB-related disorder. Also called: ACTB-related disorders; ACTB-related condition.

Submissions (2):

GeneDx
Classification: Uncertain significance. Last evaluated: 2024-01-10. Review status: criteria provided, single submitter. Criteria: GeneDx Variant Classification Process June 2021. Collection method: clinical testing. Allele origin: germline. Affected: yes.
Comment: Not observed at significant frequency in large population cohorts (gnomAD); In silico analysis supports that this missense variant has a deleterious effect on protein structure/function; Missense variants in this gene are a common cause of disease and they are underrepresented in the general population; Has not been previously published as pathogenic or benign to our knowledge

PreventionGenetics, part of Exact Sciences
Classification: Uncertain significance for ACTB-related condition. Last evaluated: 2022-10-24. Review status: criteria provided, single submitter. Criteria: ACMG Guidelines, 2015. Collection method: clinical testing. Allele origin: germline.
Comment: The ACTB c.301C>T variant is predicted to result in the amino acid substitution p.His101Tyr. To our knowledge, this variant has not been reported in the literature or in a large population database, indicating this variant is rare. At this time, the clinical significance of this variant is uncertain due to the absence of conclusive functional and genetic evidence.

NM_001101.5(ACTB):c.301C>T (p.His101Tyr)

Gene: ACTB (actin beta; minus strand). Cytogenetic location: 7p22.1.
Variant type: single nucleotide variant.
Coding change: c.301C>T on transcript NM_001101.5 (MANE Select); coding-DNA position 301, C replaced by T.
Protein change: p.His101Tyr; replaces histidine 101 with tyrosine.
Molecular consequence: missense variant.
Genome position (GRCh38, 1-based): chr7:5,529,223, G>A on the plus strand (C>T on the coding strand, the complement: ACTB is on the minus strand). VCF-style: chr7-5529223-G-A. GRCh37 (hg19) VCF-style: chr7-5568854-G-A.
Other names: short protein forms H101Y.
Identifiers: ClinVar variation 2637391 (VCV002637391.2), dbSNP rs2533850135, ClinGen allele CA366704384.